The following is an entry in ClinVar:

ClinVar aggregate classification (germline): Uncertain significance (1 of 4 stars; one submission).

gnomAD v4.1: 2 of 1,614,086 alleles (0.00012%); highest among the groups gnomAD compares: African/African-American, 0.0013%; no homozygotes.

Submission:

Labcorp Genetics (formerly Invitae), Labcorp
Classification: Uncertain significance. Last evaluated: 2024-04-22. Review status: criteria provided, single submitter. Criteria: Invitae Variant Classification Sherloc (09022015). Collection method: clinical testing. Allele origin: germline.
Comment: This sequence change replaces arginine, which is basic and polar, with glycine, which is neutral and non-polar, at codon 168 of the KAT6A protein (p.Arg168Gly). This variant is not present in population databases (gnomAD no frequency). This variant has not been reported in the literature in individuals affected with KAT6A-related conditions. ClinVar contains an entry for this variant (Variation ID: 1976409). Advanced modeling of protein sequence and biophysical properties (such as structural, functional, and spatial information, amino acid conservation, physicochemical variation, residue mobility, and thermodynamic stability) performed at Invitae indicates that this missense variant is not expected to disrupt KAT6A protein function with a negative predictive value of 80%. In summary, the available evidence is currently insufficient to determine the role of this variant in disease. Therefore, it has been classified as a Variant of Uncertain Significance.

NM_006766.5(KAT6A):c.502C>G (p.Arg168Gly)

Gene: KAT6A (lysine acetyltransferase 6A; minus strand). Cytogenetic location: 8p11.21.
Variant type: single nucleotide variant.
Coding change: c.502C>G on transcript NM_006766.5 (MANE Select); coding-DNA position 502, C replaced by G.
Protein change: p.Arg168Gly; replaces arginine 168 with glycine.
Molecular consequence: missense variant.
Genome position (GRCh38, 1-based): chr8:42,048,476, G>C on the plus strand (C>G on the coding strand, the complement: KAT6A is on the minus strand). VCF-style: chr8-42048476-G-C. GRCh37 (hg19) VCF-style: chr8-41905994-G-C.
Other names: c.502C>G, p.Arg168Gly (NM_001305878.2); short protein forms R168G.
Identifiers: ClinVar variation 1976409 (VCV001976409.5), dbSNP rs369777293, ClinGen allele CA176313567.